The following is an entry in ClinVar:

NM_000405.5(GM2A):c.402T>G (p.Leu134=)

Gene: GM2A (ganglioside GM2 activator; plus strand). Cytogenetic location: 5q33.1.
Variant type: single nucleotide variant.
Coding change: c.402T>G on transcript NM_000405.5 (MANE Select); coding-DNA position 402, T replaced by G.
Protein change: p.Leu134=; no amino-acid change (leucine 134 retained).
Molecular consequence: synonymous variant.
Genome position (GRCh38, 1-based): chr5:151,266,889, T>G. VCF-style: chr5-151266889-T-G. GRCh37 (hg19) VCF-style: chr5-150646450-T-G.
Other names: c.402T>G, p.Leu134= (NM_001167607.3).
Identifiers: ClinVar variation 4986387 (VCV004986387.1).

ClinVar aggregate classification (germline): Likely benign (1 of 4 stars; one submission).

Conditions:
GM2A-related condition.

gnomAD v4.1: 6 of 1,613,600 alleles (0.00037%); highest among the groups gnomAD compares: Non-Finnish European, 0.00051%; no homozygotes.

Submission:

PreventionGenetics, part of Exact Sciences
Classification: Likely benign for GM2A-related condition. Last evaluated: 2025-09-13. Review status: criteria provided, single submitter. Criteria: ACMG Guidelines, 2015. Collection method: clinical testing. Allele origin: germline.
Comment: This variant is classified as likely benign based on ACMG/AMP sequence variant interpretation guidelines (Richards et al. 2015 PMID: 25741868, with internal and published modifications).